The following is an entry in ClinVar:

ClinVar aggregate classification (germline): Uncertain significance (1 of 4 stars; one submission).

Conditions:
Inborn genetic diseases. Identifiers: MedGen C0950123, MeSH D030342.

Submission:

Ambry Genetics
Classification: Uncertain significance for Inborn genetic diseases. Last evaluated: 2022-03-02. Review status: criteria provided, single submitter. Criteria: Ambry Variant Classification Scheme 2023. Collection method: clinical testing. Allele origin: germline.
Comment: The p.A21S variant (also known as c.61G>T), located in coding exon 1 of the MDH2 gene, results from a G to T substitution at nucleotide position 61. The alanine at codon 21 is replaced by serine, an amino acid with similar properties. This amino acid position is conserved. In addition, this alteration is predicted to be tolerated by in silico analysis. Since supporting evidence is limited at this time, the clinical significance of this alteration remains unclear.

NM_005918.4(MDH2):c.61G>T (p.Ala21Ser)

Gene: MDH2 (malate dehydrogenase 2; plus strand). Cytogenetic location: 7q11.23.
Variant type: single nucleotide variant.
Coding change: c.61G>T on transcript NM_005918.4 (MANE Select); coding-DNA position 61, G replaced by T.
Protein change: p.Ala21Ser; replaces alanine 21 with serine.
Molecular consequence: missense variant. On other transcripts: 5 prime UTR variant (1), non-coding transcript variant (1).
Genome position (GRCh38, 1-based): chr7:76,048,221, G>T. VCF-style: chr7-76048221-G-T. GRCh37 (hg19) VCF-style: chr7-75677539-G-T.
Other names: c.61G>T, p.Ala21Ser (NM_001282403.2); c.-92G>T (NM_001282404.2); short protein forms A21S.
Identifiers: ClinVar variation 1752176 (VCV001752176.2), dbSNP rs2535833622, ClinGen allele CA367760187.